The following is an entry in ClinVar:

NM_006270.5(RRAS):c.13G>A (p.Ala5Thr)

Gene: RRAS (RAS related; minus strand). Cytogenetic location: 19q13.33.
Variant type: single nucleotide variant.
Coding change: c.13G>A on transcript NM_006270.5 (MANE Select); coding-DNA position 13, G replaced by A.
Protein change: p.Ala5Thr; replaces alanine 5 with threonine.
Molecular consequence: missense variant.
Genome position (GRCh38, 1-based): chr19:49,640,086, C>T on the plus strand (G>A on the coding strand, the complement: RRAS is on the minus strand). VCF-style: chr19-49640086-C-T. GRCh37 (hg19) VCF-style: chr19-50143343-C-T.
Other names: short protein forms A5T.
Identifiers: ClinVar variation 2564298 (VCV002564298.2), dbSNP rs2513709872, ClinGen allele CA406850199.

ClinVar aggregate classification (germline): Uncertain significance (1 of 4 stars; one submission).

gnomAD v4.1: 1 of 1,397,612 alleles (0.000072%); highest among the groups gnomAD compares: Non-Finnish European, 0.000092%; no homozygotes.

Submission:

Ambry Genetics
Classification: Uncertain significance. Last evaluated: 2023-05-14. Review status: criteria provided, single submitter. Criteria: Ambry Variant Classification Scheme 2023. Collection method: clinical testing. Allele origin: germline.
Comment: The p.A5T variant (also known as c.13G>A), located in coding exon 1 of the RRAS gene, results from a G to A substitution at nucleotide position 13. The alanine at codon 5 is replaced by threonine, an amino acid with similar properties. This amino acid position is conserved. In addition, this alteration is predicted to be tolerated by in silico analysis. Since supporting evidence is limited at this time, the clinical significance of this alteration remains unclear.